The following is an entry in ClinVar:

ClinVar aggregate classification (germline): Uncertain significance (1 of 4 stars; one submission).

Allele frequency attached by ClinVar (database versions not stated): gnomAD exomes below 0.00001; TOPMed below 0.00001.

Submission:

Labcorp Genetics (formerly Invitae), Labcorp
Classification: Uncertain significance. Last evaluated: 2023-12-11. Review status: criteria provided, single submitter. Criteria: Invitae Variant Classification Sherloc (09022015). Collection method: clinical testing. Allele origin: germline.
Comment: This sequence change replaces proline, which is neutral and non-polar, with serine, which is neutral and polar, at codon 79 of the COQ9 protein (p.Pro79Ser). This variant is not present in population databases (gnomAD no frequency). This variant has not been reported in the literature in individuals affected with COQ9-related conditions. ClinVar contains an entry for this variant (Variation ID: 1997223). An algorithm developed to predict the effect of missense changes on protein structure and function (PolyPhen-2) suggests that this variant is likely to be tolerated. In summary, the available evidence is currently insufficient to determine the role of this variant in disease. Therefore, it has been classified as a Variant of Uncertain Significance.

NM_020312.4(COQ9):c.235C>T (p.Pro79Ser)

Gene: COQ9 (coenzyme Q9; plus strand). Cytogenetic location: 16q21.
Variant type: single nucleotide variant.
Coding change: c.235C>T on transcript NM_020312.4 (MANE Select); coding-DNA position 235, C replaced by T.
Protein change: p.Pro79Ser; replaces proline 79 with serine.
Molecular consequence: missense variant.
Genome position (GRCh38, 1-based): chr16:57,451,201, C>T. VCF-style: chr16-57451201-C-T. GRCh37 (hg19) VCF-style: chr16-57485113-C-T.
Other names: short protein forms P79S.
Identifiers: ClinVar variation 1997223 (VCV001997223.4), dbSNP rs878944765, ClinGen allele CA281548748.